The following is an entry in ClinVar:

NM_001365999.1(SZT2):c.3790G>A (p.Asp1264Asn)

Gene: SZT2 (SZT2 subunit of KICSTOR complex; plus strand). Cytogenetic location: 1p34.2.
Variant type: single nucleotide variant.
Coding change: c.3790G>A on transcript NM_001365999.1 (MANE Select); coding-DNA position 3790, G replaced by A.
Protein change: p.Asp1264Asn; replaces aspartic acid 1264 with asparagine.
Molecular consequence: missense variant.
Genome position (GRCh38, 1-based): chr1:43,427,721, G>A. VCF-style: chr1-43427721-G-A. GRCh37 (hg19) VCF-style: chr1-43893392-G-A.
Other names: c.3619G>A, p.Asp1207Asn (NM_015284.4); short protein forms D1207N, D1264N.
Identifiers: ClinVar variation 964565 (VCV000964565.1), dbSNP rs1653347644, ClinGen allele CA340019042.

ClinVar aggregate classification (germline): Uncertain significance (1 of 4 stars; one submission).

Allele frequency attached by ClinVar (database versions not stated): gnomAD exomes below 0.00001.

Submission:

Labcorp Genetics (formerly Invitae), Labcorp
Classification: Uncertain significance. Last evaluated: 2019-11-07. Review status: criteria provided, single submitter. Criteria: Invitae Variant Classification Sherloc (09022015). Collection method: clinical testing. Allele origin: germline.
Comment: This sequence change replaces aspartic acid with asparagine at codon 1207 of the SZT2 protein (p.Asp1207Asn). The aspartic acid residue is highly conserved and there is a small physicochemical difference between aspartic acid and asparagine. This variant is not present in population databases (ExAC no frequency). This variant has not been reported in the literature in individuals with SZT2-related conditions. Algorithms developed to predict the effect of missense changes on protein structure and function are either unavailable or do not agree on the potential impact of this missense change (SIFT: "Tolerated"; PolyPhen-2: "Possibly Damaging"; Align-GVGD: "Class C0"). In summary, the available evidence is currently insufficient to determine the role of this variant in disease. Therefore, it has been classified as a Variant of Uncertain Significance.